The following is an entry in ClinVar:

ClinVar aggregate classification (germline): Uncertain significance (1 of 4 stars; one submission).

Conditions:
ANKRD31-related disorder. Also called: ANKRD31-related condition.

Submission:

3billion
Classification: Uncertain significance for ANKRD31-related disorder. Last evaluated: 2025-06-07. Review status: criteria provided, single submitter. Criteria: ACMG Guidelines, 2015. Collection method: clinical testing. Allele origin: germline. Affected: yes.
Comment: The variant is not observed in the gnomAD v4.1.0 dataset. Predicted Consequence/Location: Stop-gained (nonsense): predicted to result in a loss or disruption of normal protein function through nonsense-mediated decay (NMD) or protein truncation. Multiple pathogenic variants are reported downstream of the variant. Therefore, this variant is classified as VUS according to the recommendation of ACMG/AMP guideline.

NM_001372053.1(ANKRD31):c.788C>G (p.Ser263Ter)

Gene: ANKRD31 (ankyrin repeat domain 31; minus strand). Cytogenetic location: 5q13.3.
Variant type: single nucleotide variant.
Coding change: c.788C>G on transcript NM_001372053.1 (MANE Select); coding-DNA position 788, C replaced by G.
Protein change: p.Ser263Ter; replaces serine 263 with a stop codon.
Molecular consequence: nonsense.
Genome position (GRCh38, 1-based): chr5:75,195,860, G>C on the plus strand (C>G on the coding strand, the complement: ANKRD31 is on the minus strand). VCF-style: chr5-75195860-G-C. GRCh37 (hg19) VCF-style: chr5-74491685-G-C.
Other names: c.788C>G, p.Ser263Ter (NM_001164443.1); short protein forms S263*.
Identifiers: ClinVar variation 4853982 (VCV004853982.1).